The following is an entry in ClinVar:

NM_015271.5(TRIM2):c.1664G>A (p.Arg555His)

Gene: TRIM2 (tripartite motif containing 2; plus strand). Cytogenetic location: 4q31.3.
Variant type: single nucleotide variant.
Coding change: c.1664G>A on transcript NM_015271.5 (MANE Select); coding-DNA position 1664, G replaced by A.
Protein change: p.Arg555His; replaces arginine 555 with histidine.
Molecular consequence: missense variant.
Genome position (GRCh38, 1-based): chr4:153,315,881, G>A. VCF-style: chr4-153315881-G-A. GRCh37 (hg19) VCF-style: chr4-154237033-G-A.
Other names: c.1583G>A, p.Arg528His (NM_001130067.2, NM_001351056.2); c.1637G>A, p.Arg546His (NM_001351054.2); c.1634G>A, p.Arg545His (NM_001351055.2); c.1208G>A, p.Arg403His (NM_001351057.2); short protein forms R555H, R403H, R528H, R545H, R546H.
Identifiers: ClinVar variation 646320 (VCV000646320.8), dbSNP rs755651013, ClinGen allele CA3108804.

ClinVar aggregate classification (germline): Uncertain significance (1 of 4 stars; one submission).

Conditions:
Charcot-Marie-Tooth disease type 2R. Also called: Charcot-Marie-Tooth disease, axonal, type 2R; CHARCOT-MARIE-TOOTH NEUROPATHY, TYPE 2R; CHARCOT-MARIE-TOOTH DISEASE, AXONAL, AUTOSOMAL RECESSIVE, TYPE 2R. Identifiers: Orphanet 397968, MedGen C3809655, MONDO:0014208, OMIM 615490.

Allele frequency attached by ClinVar (database versions not stated): gnomAD exomes below 0.00001; ExAC 0.00001.
gnomAD v4.1: 2 of 1,614,090 alleles (0.00012%); highest among the groups gnomAD compares: South Asian, 0.0011%; no homozygotes.

Submission:

Labcorp Genetics (formerly Invitae), Labcorp
Classification: Uncertain significance for Charcot-Marie-Tooth disease type 2R. Last evaluated: 2018-12-03. Review status: criteria provided, single submitter. Criteria: Invitae Variant Classification Sherloc (09022015). Collection method: clinical testing. Allele origin: germline.
Comment: This sequence change replaces arginine with histidine at codon 528 of the TRIM2 protein (p.Arg528His). The arginine residue is highly conserved and there is a small physicochemical difference between arginine and histidine. This variant is present in population databases (rs755651013, ExAC 0.006%). This variant has not been reported in the literature in individuals with TRIM2-related conditions. Algorithms developed to predict the effect of missense changes on protein structure and function are either unavailable or do not agree on the potential impact of this missense change (SIFT: "Deleterious"; PolyPhen-2: "Probably Damaging"; Align-GVGD: "Class C0"). In summary, the available evidence is currently insufficient to determine the role of this variant in disease. Therefore, it has been classified as a Variant of Uncertain Significance.